The following is an entry in ClinVar:

ClinVar aggregate classification (germline): Uncertain significance (1 of 4 stars; one submission).

Conditions:
Early-infantile DEE. Also called: Early infantile epileptic encephalopathy with suppression bursts; Early infantile epileptic encephalopathy; Ohtahara syndrome. Identifiers: Orphanet 1934, MedGen C0393706, MONDO:0800491.

Submission:

Labcorp Genetics (formerly Invitae), Labcorp
Classification: Uncertain significance for Early-infantile DEE. Last evaluated: 2022-06-03. Review status: criteria provided, single submitter. Criteria: Invitae Variant Classification Sherloc (09022015). Collection method: clinical testing. Allele origin: germline.
Comment: This sequence change replaces leucine, which is neutral and non-polar, with valine, which is neutral and non-polar, at codon 377 of the HCN1 protein (p.Leu377Val). In summary, the available evidence is currently insufficient to determine the role of this variant in disease. Therefore, it has been classified as a Variant of Uncertain Significance. Algorithms developed to predict the effect of sequence changes on RNA splicing suggest that this variant may create or strengthen a splice site. Algorithms developed to predict the effect of missense changes on protein structure and function (SIFT, PolyPhen-2, Align-GVGD) all suggest that this variant is likely to be disruptive. ClinVar contains an entry for this variant (Variation ID: 1384118). This variant has not been reported in the literature in individuals affected with HCN1-related conditions. This variant is not present in population databases (gnomAD no frequency).

NM_021072.4(HCN1):c.1129C>G (p.Leu377Val)

Gene: HCN1 (hyperpolarization activated cyclic nucleotide gated potassium channel 1; minus strand). Cytogenetic location: 5p12.
Variant type: single nucleotide variant.
Coding change: c.1129C>G on transcript NM_021072.4 (MANE Select); coding-DNA position 1129, C replaced by G.
Protein change: p.Leu377Val; replaces leucine 377 with valine.
Molecular consequence: missense variant.
Genome position (GRCh38, 1-based): chr5:45,396,593, G>C on the plus strand (C>G on the coding strand, the complement: HCN1 is on the minus strand). VCF-style: chr5-45396593-G-C. GRCh37 (hg19) VCF-style: chr5-45396695-G-C.
Other names: short protein forms L377V.
Identifiers: ClinVar variation 1384118 (VCV001384118.7), dbSNP rs2112040746, ClinGen allele CA359705361.
Genomic context (GRCh38, chr5:45,396,593, plus strand): 5'-TTAAAGCGGTGGCATGGCCGACAAACATGGCATAGCAGGTGGCCCCGACGATCATGCTCA[G>C]CATGGTAATCCAGAGGTCAGACATGCTGACTGGGGCTTGGGCTCCATACCCAATGCACAG-3'
Protein context (NP_066550.2, residues 367-387): VSMSDLWITM[Leu377Val]SMIVGATCYA